The following is an entry in ClinVar:

NM_015559.3(SETBP1):c.872C>A (p.Pro291Gln)

Gene: SETBP1 (SET binding protein 1; plus strand). Cytogenetic location: 18q12.3.
Variant type: single nucleotide variant.
Coding change: c.872C>A on transcript NM_015559.3 (MANE Select); coding-DNA position 872, C replaced by A.
Protein change: p.Pro291Gln; replaces proline 291 with glutamine.
Molecular consequence: missense variant.
Genome position (GRCh38, 1-based): chr18:44,950,212, C>A. VCF-style: chr18-44950212-C-A. GRCh37 (hg19) VCF-style: chr18-42530177-C-A.
Other names: c.872C>A, p.Pro291Gln (NM_001379141.1, NM_001379142.1, NM_001410862.1); short protein forms P291Q.
Identifiers: ClinVar variation 5001053 (VCV005001053.1).

ClinVar aggregate classification (germline): Uncertain significance (1 of 4 stars; one submission).

Conditions:
SETBP1-related disorder. Also called: SETBP1-related condition; SETBP1-related disorders.

gnomAD v4.1: 1 of 1,613,784 alleles (0.000062%); highest among the groups gnomAD compares: Non-Finnish European, 0.000085%; no homozygotes.

Submission:

PreventionGenetics, part of Exact Sciences
Classification: Uncertain significance for SETBP1-related condition. Last evaluated: 2025-03-12. Review status: criteria provided, single submitter. Criteria: ACMG Guidelines, 2015. Collection method: clinical testing. Allele origin: germline.
Comment: The SETBP1 c.872C>A variant is predicted to result in the amino acid substitution p.Pro291Gln. To our knowledge, this variant has not been reported in the literature or in a large population database (gnomAD), indicating this variant is rare. At this time, the clinical significance of this variant is uncertain due to the absence of conclusive functional and genetic evidence.